The following is an entry in ClinVar:

ClinVar aggregate classification (germline): Uncertain significance. Review status: criteria provided, multiple submitters, no conflicts (2 of 4 stars). 3 submissions from 3 submitters: Uncertain significance (2). 1 of the submissions does not count toward it. Last evaluated 2024-11-18.

Conditions:
Bardet-Biedl syndrome (BBS). Identifiers: Orphanet 110, MedGen C0752166, MONDO:0015229.
Bardet-Biedl syndrome 4 (BBS4). Identifiers: Orphanet 110, MedGen C2936864, MONDO:0014433, OMIM 615982.
BBS4-related disorder. Also called: BBS4-related condition.

Allele frequency attached by ClinVar (database versions not stated): gnomAD 0.00001 and 0.00002; gnomAD exomes 0.00001; TOPMed 0.00005; 1000 Genomes Project 30x 0.00016; 1000 Genomes Project 0.00020.
gnomAD v4.1: 16 of 1,610,606 alleles (0.00099%); highest among the groups gnomAD compares: African/African-American, 0.02%; no homozygotes.

Submissions (3):

Labcorp Genetics (formerly Invitae), Labcorp
Classification: Uncertain significance for Bardet-Biedl syndrome. Last evaluated: 2024-11-18. Review status: criteria provided, single submitter. Criteria: Invitae Variant Classification Sherloc (09022015). Collection method: clinical testing. Allele origin: germline.
Comment: This sequence change replaces alanine, which is neutral and non-polar, with threonine, which is neutral and polar, at codon 127 of the BBS4 protein (p.Ala127Thr). This variant is present in population databases (rs530223854, gnomAD 0.01%). This variant has not been reported in the literature in individuals affected with BBS4-related conditions. ClinVar contains an entry for this variant (Variation ID: 956007). Invitae Evidence Modeling of protein sequence and biophysical properties (such as structural, functional, and spatial information, amino acid conservation, physicochemical variation, residue mobility, and thermodynamic stability) indicates that this missense variant is not expected to disrupt BBS4 protein function with a negative predictive value of 80%. In summary, the available evidence is currently insufficient to determine the role of this variant in disease. Therefore, it has been classified as a Variant of Uncertain Significance.

Fulgent Genetics
Classification: Uncertain significance for Bardet-Biedl syndrome 4. Last evaluated: 2021-11-04. Review status: criteria provided, single submitter. Criteria: ACMG Guidelines, 2015. Collection method: clinical testing. Allele origin: unknown.

PreventionGenetics, part of Exact Sciences
Classification: Uncertain significance for BBS4-related condition. Last evaluated: 2024-04-29. Review status: no assertion criteria provided. Collection method: clinical testing. Allele origin: germline. Not counted in ClinVar's aggregate classification.
Comment: The BBS4 c.379G>A variant is predicted to result in the amino acid substitution p.Ala127Thr. To our knowledge, this variant has not been reported in the literature. This variant is reported in 0.011% of alleles in individuals of African descent in gnomAD. At this time, the clinical significance of this variant is uncertain due to the absence of conclusive functional and genetic evidence.

NM_033028.5(BBS4):c.379G>A (p.Ala127Thr)

Gene: BBS4 (Bardet-Biedl syndrome 4; plus strand). Cytogenetic location: 15q24.1.
Variant type: single nucleotide variant.
Coding change: c.379G>A on transcript NM_033028.5 (MANE Select); coding-DNA position 379, G replaced by A.
Protein change: p.Ala127Thr; replaces alanine 127 with threonine.
Molecular consequence: missense variant. On other transcripts: 5 prime UTR variant (1), non-coding transcript variant (2).
Genome position (GRCh38, 1-based): chr15:72,716,824, G>A. VCF-style: chr15-72716824-G-A. GRCh37 (hg19) VCF-style: chr15-73009165-G-A.
Other names: c.-143G>A (NM_001252678.2); c.379G>A, p.Ala127Thr (NM_001320665.2); short protein forms A127T.
Identifiers: ClinVar variation 956007 (VCV000956007.8), dbSNP rs530223854, ClinGen allele CA272637714.
Genomic context (GRCh38, chr15:72,716,824, plus strand): 5'-TATATCTTTTACAGATTTCTTTTGGGAAAACATAAAGCTGCCATTGAAGTATATAATGAA[G>A]CAGCTAAACTCAACCAGAAAGATTGGGTAAGTAGAGAACTTTCAGTTCTTTCTTATTAGT-3'
Protein context (NP_149017.2, residues 117-137): HKAAIEVYNE[Ala127Thr]AKLNQKDWEI